The following is an entry in ClinVar:

ClinVar aggregate classification (germline): Uncertain significance (1 of 4 stars; one submission).

Submission:

CeGaT Center for Human Genetics Tuebingen
Classification: Uncertain significance. Last evaluated: 2024-05-01. Review status: criteria provided, single submitter. Criteria: CeGaT Center For Human Genetics Tuebingen Variant Classification Criteria Version 2. Collection method: clinical testing. Allele origin: germline. Affected: yes. Observed: 1 variant allele.
Comment: JPH3: PM2

NM_020655.4(JPH3):c.1597_1599delinsTCC (p.Glu533Ser)

Gene: JPH3 (junctophilin 3; plus strand). Cytogenetic location: 16q24.2.
Variant type: Indel.
Coding change: c.1597_1599delinsTCC on transcript NM_020655.4 (MANE Select); coding-DNA positions 1597 to 1599, GAG replaced by TCC.
Protein change: p.Glu533Ser; replaces glutamic acid 533 with serine.
Molecular consequence: missense variant. On other transcripts: non-coding transcript variant (1).
Genome position (GRCh38, 1-based): chr16:87,689,957-87,689,959, GAG replaced by TCC. VCF-style: chr16-87689957-GAG-TCC. GRCh37 (hg19) VCF-style: chr16-87723563-GAG-TCC.
Other names: short protein forms E533S.
Identifiers: ClinVar variation 3239619 (VCV003239619.19), dbSNP rs2507651826.